The following is an entry in ClinVar:

NM_133259.4(LRPPRC):c.2816_2817del (p.Leu939fs)

Gene: LRPPRC (leucine rich pentatricopeptide repeat containing; minus strand). Cytogenetic location: 2p21.
Variant type: Deletion.
Coding change: c.2816_2817del on transcript NM_133259.4 (MANE Select); coding-DNA positions 2816 to 2817, 2 bases deleted (TG; older notation c.2816_2817delTG).
Protein change: p.Leu939fs; shifts the reading frame from leucine 939.
Molecular consequence: frameshift variant.
Genome position (GRCh38, 1-based): chr2:43,925,146-43,925,147, CA deleted on the plus strand (TG on the coding strand, the reverse complement: LRPPRC is on the minus strand). VCF-style (leftmost placement, unchanged base first): chr2-43925145-CCA-C. GRCh37 (hg19) VCF-style: chr2-44152284-CCA-C.
Other names: short protein forms L939fs.
Identifiers: ClinVar variation 5015218 (VCV005015218.1).

ClinVar aggregate classification (germline): Pathogenic (1 of 4 stars; one submission).

Conditions:
Congenital lactic acidosis, Saguenay-Lac-Saint-Jean type (MC4DN5). Also called: CYTOCHROME c OXIDASE DEFICIENCY, FRENCH CANADIAN TYPE; COX DEFICIENCY, FRENCH CANADIAN TYPE; MITOCHONDRIAL COMPLEX IV DEFICIENCY, NUCLEAR TYPE 5. Identifiers: Orphanet 70472, MedGen C1857355, MONDO:0009069, OMIM 220111.

Submission:

Myriad Genetics, Inc.
Classification: Pathogenic for Congenital lactic acidosis, Saguenay-Lac-Saint-Jean type. Last evaluated: 2025-11-14. Review status: criteria provided, single submitter. Criteria: Myriad Autosomal Dominant, Autosomal Recessive and X-Linked Classification Criteria (2023). Collection method: clinical testing. Allele origin: unknown.
Comment: NM_133259.3(LRPPRC):c.2816_2817delTG(L939Rfs*12) is expected to be pathogenic in the context of Leigh syndrome, French-Canadian type. This variant is predicted to lead to an abnormal or absent protein product due to the creation of a premature termination codon in LRPPRC, a gene where loss-of-function variants are known to be pathogenic. Please note: this variant was assessed in the context of healthy population screening.